The following is an entry in ClinVar:

NM_032043.3(BRIP1):c.2109dup (p.Leu704fs)

Gene: BRIP1 (BRCA1 interacting DNA helicase 1; minus strand). Cytogenetic location: 17q23.2.
Variant type: Duplication.
Coding change: c.2109dup on transcript NM_032043.3 (MANE Select); coding-DNA position 2109, one base duplicated (A; older notation c.2109dupA).
Protein change: p.Leu704fs; shifts the reading frame from leucine 704.
Molecular consequence: frameshift variant.
Genome position (GRCh38, 1-based): chr17:61,744,580, T duplicated on the plus strand (A on the coding strand, the reverse complement: BRIP1 is on the minus strand); the first of 5 consecutive T bases (chr17:61,744,580-61,744,584); duplicating any one gives the same sequence. VCF-style (leftmost placement, unchanged base first): chr17-61744579-A-AT. GRCh37 (hg19) VCF-style: chr17-59821940-A-AT.
Other names: short protein forms L704fs.
Identifiers: ClinVar variation 2583633 (VCV002583633.2), dbSNP rs2144701307, ClinGen allele CA2582342213.

ClinVar aggregate classification (germline): Pathogenic (1 of 4 stars; one submission).

Conditions:
Familial cancer of breast. Also called: Hereditary breast cancer; BREAST CANCER, FAMILIAL; hereditary breast carcinoma. Identifiers: Orphanet 227535, MedGen C0346153, MONDO:0016419, OMIM 114480. Disease mechanism: loss of function.

Submission:

Myriad Genetics, Inc.
Classification: Pathogenic for Familial cancer of breast. Last evaluated: 2023-06-06. Review status: criteria provided, single submitter. Criteria: Myriad Autosomal Dominant, Autosomal Recessive and X-Linked Classification Criteria (2023). Collection method: clinical testing. Allele origin: unknown.
Comment: This variant is considered pathogenic. This variant creates a frameshift predicted to result in premature protein truncation.